The following is an entry in ClinVar:

NM_002103.5(GYS1):c.-26C>T

Gene: GYS1 (glycogen synthase 1; minus strand). Cytogenetic location: 19q13.33.
Variant type: single nucleotide variant.
Coding change: c.-26C>T on transcript NM_002103.5 (MANE Select); 26 bases upstream of the start codon, C replaced by T.
Molecular consequence: 5 prime UTR variant. On other transcripts: non-coding transcript variant (1).
Genome position (GRCh38, 1-based): chr19:48,993,138, G>A on the plus strand (C>T on the coding strand, the complement: GYS1 is on the minus strand). VCF-style: chr19-48993138-G-A. GRCh37 (hg19) VCF-style: chr19-49496395-G-A.
Other names: c.-26C>T (NM_001161587.2).
Identifiers: ClinVar variation 329832 (VCV000329832.6), dbSNP rs202114467, ClinGen allele CA9563488.

ClinVar aggregate classification (germline): Conflicting classifications of pathogenicity. Review status: criteria provided, conflicting classifications (1 of 4 stars). 2 submissions from 2 submitters: Uncertain significance (1); Likely benign (1). Last evaluated 2018-04-13.

Conditions:
Glycogen storage disease due to muscle and heart glycogen synthase deficiency. Also called: GSD 0b; MUSCLE GLYCOGEN SYNTHASE DEFICIENCY. Identifiers: Orphanet 137625, MedGen C1969054, MONDO:0012693, OMIM 611556.

Allele frequency attached by ClinVar (database versions not stated): gnomAD 0.00002; gnomAD exomes 0.00005 and 0.00012; TOPMed 0.00006; ExAC 0.00009.

Submissions (2):

GeneDx
Classification: Likely benign. Last evaluated: 2018-04-13. Review status: criteria provided, single submitter. Criteria: GeneDx Variant Classification (06012015). Collection method: clinical testing. Allele origin: germline. Affected: yes.
Comment: This variant is considered likely benign or benign based on one or more of the following criteria: it is a conservative change, it occurs at a poorly conserved position in the protein, it is predicted to be benign by multiple in silico algorithms, and/or has population frequency not consistent with disease.

Illumina Laboratory Services, Illumina
Classification: Uncertain significance for Glycogen storage disease due to muscle and heart glycogen synthase deficiency. Last evaluated: 2018-01-13. Review status: criteria provided, single submitter. Criteria: ICSL Variant Classification Criteria 13 December 2019. Collection method: clinical testing. Allele origin: germline.